The following is an entry in ClinVar:

ClinVar aggregate classification (germline): Uncertain significance. Review status: criteria provided, multiple submitters, no conflicts (2 of 4 stars). 5 submissions from 5 submitters: Uncertain significance (5). Last evaluated 2025-09-23.

Conditions:
OTC-related disorder. Also called: OTC-related condition.
Ornithine carbamoyltransferase deficiency (OTCD). Also called: ORNITHINE TRANSCARBAMYLASE DEFICIENCY, HYPERAMMONEMIA DUE TO; ORNITHINE TRANSCARBAMYLASE DEFICIENCY; OTC DEFICIENCY; Ornithine Carbamoyltransferase Deficiency Disease. Identifiers: Orphanet 664, MedGen C0268542, MONDO:0010703, OMIM 311250.

Submissions (5):

PreventionGenetics, part of Exact Sciences
Classification: Uncertain significance for OTC-related condition. Last evaluated: 2025-09-23. Review status: criteria provided, single submitter. Criteria: ACMG Guidelines, 2015. Collection method: clinical testing. Allele origin: germline.
Comment: The OTC c.265A>G variant is predicted to result in the amino acid substitution p.Arg89Gly. To our knowledge, this variant has not been reported in the literature or in a large population database (gnomAD), indicating this variant is rare. Although we suspect that this variant may be pathogenic, at this time, the clinical significance of this variant is uncertain due to the absence of conclusive functional and genetic evidence.

Labcorp Genetics (formerly Invitae), Labcorp
Classification: Uncertain significance for Ornithine carbamoyltransferase deficiency. Last evaluated: 2024-10-29. Review status: criteria provided, single submitter. Criteria: Invitae Variant Classification Sherloc (09022015). Collection method: clinical testing. Allele origin: germline.
Comment: This sequence change replaces arginine, which is basic and polar, with glycine, which is neutral and non-polar, at codon 89 of the OTC protein (p.Arg89Gly). This variant is not present in population databases (gnomAD no frequency). This variant has not been reported in the literature in individuals affected with OTC-related conditions. Invitae Evidence Modeling of protein sequence and biophysical properties (such as structural, functional, and spatial information, amino acid conservation, physicochemical variation, residue mobility, and thermodynamic stability) indicates that this missense variant is expected to disrupt OTC protein function with a positive predictive value of 95%. In summary, the available evidence is currently insufficient to determine the role of this variant in disease. Therefore, it has been classified as a Variant of Uncertain Significance.

Revvity Omics, Revvity
Classification: Uncertain significance for Ornithine carbamoyltransferase deficiency. Last evaluated: 2024-06-19. Review status: criteria provided, single submitter. Criteria: ACMG Guidelines, 2015. Collection method: clinical testing. Allele origin: germline.

All of Us Research Program, National Institutes of Health
Classification: Uncertain significance for Ornithine carbamoyltransferase deficiency. Last evaluated: 2024-03-24. Review status: criteria provided, single submitter. Criteria: ACMG Guidelines, 2015. Collection method: clinical testing. Allele origin: germline. Inheritance: X-linked inheritance. Observed: 1 variant allele, 1 hemizygote.
Comment: This missense variant replaces arginine with glycine at codon 89 of the OTC protein. Computational prediction suggests that this variant may have deleterious impact on protein structure and function. To our knowledge, functional studies have not been reported for this variant. This variant has not been reported in individuals affected with OTC-related disorders in the literature. This variant has not been identified in the general population by the Genome Aggregation Database (gnomAD). The available evidence is insufficient to determine the role of this variant in disease conclusively. Therefore, this variant is classified as a Variant of Uncertain Significance.

This study involves interpretation of variants in research participants for the purpose of population health screening. Participant phenotype was not available at the time of variant classification. Additional details can be found in publication PMID: 35346344, PMCID: PMC8962531

GeneDx
Classification: Uncertain significance. Last evaluated: 2024-01-11. Review status: criteria provided, single submitter. Criteria: GeneDx Variant Classification Process June 2021. Collection method: clinical testing. Allele origin: germline. Affected: yes.
Comment: Not observed at significant frequency in large population cohorts (gnomAD); In silico analysis supports that this missense variant has a deleterious effect on protein structure/function; Has not been previously published as pathogenic or benign to our knowledge

NM_000531.6(OTC):c.265A>G (p.Arg89Gly)

Gene: OTC (ornithine transcarbamylase; plus strand). Cytogenetic location: Xp11.4.
Variant type: single nucleotide variant.
Coding change: c.265A>G on transcript NM_000531.6 (MANE Select); coding-DNA position 265, A replaced by G.
Protein change: p.Arg89Gly; replaces arginine 89 with glycine.
Molecular consequence: missense variant.
Genome position (GRCh38, 1-based): chrX:38,369,844, A>G. VCF-style: chrX-38369844-A-G. GRCh37 (hg19) VCF-style: chrX-38229097-A-G.
Other names: c.265A>G, p.Arg89Gly (NM_001407092.1); short protein forms R89G.
Identifiers: ClinVar variation 3367769 (VCV003367769.6).
Genomic context (GRCh38, chrX:38,369,844, plus strand): 5'-CTTGATTTATAGTATTTGCCTTTATTGCAAGGGAAGTCCTTAGGCATGATTTTTGAGAAA[A>G]GAAGTACTCGAACAAGATTGTCTACAGAAACAGGTAAGTCCACTGCCAAATTCACACTTG-3'
Protein context (NP_000522.3, residues 79-99): GKSLGMIFEK[Arg89Gly]STRTRLSTET